The following is an entry in ClinVar:

NM_000085.5(CLCNKB):c.275G>A (p.Arg92Gln)

Genes: CLCNKB (chloride voltage-gated channel Kb; plus strand), LOC106501713 (CLCNKB recombination region; plus strand). Cytogenetic location: 1p36.13.
Variant type: single nucleotide variant.
Coding change: c.275G>A on transcript NM_000085.5 (MANE Select); coding-DNA position 275, G replaced by A.
Protein change: p.Arg92Gln; replaces arginine 92 with glutamine.
Molecular consequence: missense variant.
Genome position (GRCh38, 1-based): chr1:16,046,580, G>A. VCF-style: chr1-16046580-G-A. GRCh37 (hg19) VCF-style: chr1-16373075-G-A.
Other names: short protein forms R92Q.
Identifiers: ClinVar variation 1956601 (VCV001956601.6), dbSNP rs751020964, ClinGen allele CA623254.

ClinVar aggregate classification (germline): Uncertain significance. Review status: criteria provided, multiple submitters, no conflicts (2 of 4 stars). 2 submissions from 2 submitters: Uncertain significance (2). Last evaluated 2025-06-12.

Conditions:
Bartter disease type 3. Also called: Bartter syndrome type 3. Identifiers: Orphanet 112, Orphanet 93605, MedGen C1846343, MONDO:0011822, OMIM 607364.
Bartter disease type 4B. Also called: BARTTER SYNDROME, TYPE 4B, NEONATAL, WITH SENSORINEURAL DEAFNESS; Bartter syndrome, type 4b, digenic; BARTTER SYNDROME, TYPE 4B. Identifiers: Orphanet 112, MedGen C4310805, MONDO:0000909, OMIM 613090.

Allele frequency attached by ClinVar (database versions not stated): ExAC 0.00001; gnomAD exomes 0.00001; gnomAD 0.00002; TOPMed 0.00002.
gnomAD v4.1: 14 of 1,613,994 alleles (0.00087%); highest among the groups gnomAD compares: African/African-American, 0.0013%; no homozygotes.

Submissions (2):

Labcorp Genetics (formerly Invitae), Labcorp
Classification: Uncertain significance. Last evaluated: 2025-06-12. Review status: criteria provided, single submitter. Criteria: Invitae Variant Classification Sherloc (09022015). Collection method: clinical testing. Allele origin: germline.
Comment: This sequence change replaces arginine, which is basic and polar, with glutamine, which is neutral and polar, at codon 92 of the CLCNKB protein (p.Arg92Gln). This variant is present in population databases (rs751020964, gnomAD 0.004%). This variant has not been reported in the literature in individuals affected with CLCNKB-related conditions. ClinVar contains an entry for this variant (Variation ID: 1956601). Invitae Evidence Modeling of protein sequence and biophysical properties (such as structural, functional, and spatial information, amino acid conservation, physicochemical variation, residue mobility, and thermodynamic stability) indicates that this missense variant is not expected to disrupt CLCNKB protein function with a negative predictive value of 80%. In summary, the available evidence is currently insufficient to determine the role of this variant in disease. Therefore, it has been classified as a Variant of Uncertain Significance.

Fulgent Genetics
Classification: Uncertain significance for Bartter disease type 3; Bartter disease type 4B. Last evaluated: 2024-03-02. Review status: criteria provided, single submitter. Criteria: ACMG Guidelines, 2015. Collection method: clinical testing. Allele origin: germline.